The following is an entry in ClinVar:

ClinVar aggregate classification (germline): Uncertain significance (1 of 4 stars; one submission).

Conditions:
Infantile-onset X-linked spinal muscular atrophy. Also called: Spinal Muscular Atrophy, X-Linked Infantile; AMC, DISTAL, X-LINKED; ARTHROGRYPOSIS, X-LINKED, TYPE I; SPINAL MUSCULAR ATROPHY, X-LINKED LETHAL INFANTILE; Spinal muscular atrophy, X-linked 2. Identifiers: Orphanet 1145, MedGen C1844934, MONDO:0010532, OMIM 301830.

Submission:

Labcorp Genetics (formerly Invitae), Labcorp
Classification: Uncertain significance for Infantile-onset X-linked spinal muscular atrophy. Last evaluated: 2021-11-26. Review status: criteria provided, single submitter. Criteria: Invitae Variant Classification Sherloc (09022015). Collection method: clinical testing. Allele origin: germline.
Comment: This sequence change replaces methionine, which is neutral and non-polar, with isoleucine, which is neutral and non-polar, at codon 539 of the UBA1 protein (p.Met539Ile). This variant is not present in population databases (gnomAD no frequency). This missense change has been observed in individuals with spinal muscular atrophy (PMID: 18179898, 32181232; Invitae). It has also been observed to segregate with disease in related individuals. Algorithms developed to predict the effect of missense changes on protein structure and function (SIFT, PolyPhen-2, Align-GVGD) all suggest that this variant is likely to be tolerated. Experimental studies are conflicting or provide insufficient evidence to determine the effect of this variant on UBA1 function (PMID: 29034082). In summary, the available evidence is currently insufficient to determine the role of this variant in disease. Therefore, it has been classified as a Variant of Uncertain Significance.

Literature cited by the submitters: PubMed 18179898; PubMed 32181232; PubMed 29034082.

NM_003334.4(UBA1):c.1617G>A (p.Met539Ile)

Gene: UBA1 (ubiquitin like modifier activating enzyme 1; plus strand). Cytogenetic location: Xp11.3.
Variant type: single nucleotide variant.
Coding change: c.1617G>A on transcript NM_003334.4 (MANE Select); coding-DNA position 1617, G replaced by A.
Protein change: p.Met539Ile; replaces methionine 539 with isoleucine.
Molecular consequence: missense variant.
Genome position (GRCh38, 1-based): chrX:47,205,989, G>A. VCF-style: chrX-47205989-G-A. GRCh37 (hg19) VCF-style: chrX-47065388-G-A.
Other names: c.1617G>A, p.Met539Ile (NM_153280.3); short protein forms M539I.
Identifiers: ClinVar variation 1486648 (VCV001486648.6), dbSNP rs80356545, ClinGen allele CA412801274.